The following is an entry in ClinVar:

ClinVar aggregate classification (germline): Uncertain significance (1 of 4 stars; one submission).

Conditions:
EPILEPSY, CHILDHOOD ABSENCE, SUSCEPTIBILITY TO, 2 (ECA2). Identifiers: Orphanet 64280, MedGen C1843244, OMIM 607681.
Febrile seizures, familial, 8 (FEB8). Also called: CONVULSIONS, FAMILIAL FEBRILE, 8. Identifiers: Orphanet 36387, MedGen C1969810, MONDO:0011891, OMIM 607681.

Submission:

Labcorp Genetics (formerly Invitae), Labcorp
Classification: Uncertain significance for Febrile seizures, familial, 8; EPILEPSY, CHILDHOOD ABSENCE, SUSCEPTIBILITY TO, 2. Last evaluated: 2023-05-09. Review status: criteria provided, single submitter. Criteria: Invitae Variant Classification Sherloc (09022015). Collection method: clinical testing. Allele origin: germline.
Comment: In summary, the available evidence is currently insufficient to determine the role of this variant in disease. Therefore, it has been classified as a Variant of Uncertain Significance. Advanced modeling of protein sequence and biophysical properties (such as structural, functional, and spatial information, amino acid conservation, physicochemical variation, residue mobility, and thermodynamic stability) has been performed at Invitae for this missense variant, however the output from this modeling did not meet the statistical confidence thresholds required to predict the impact of this variant on GABRG2 protein function. This variant has not been reported in the literature in individuals affected with GABRG2-related conditions. This variant is not present in population databases (gnomAD no frequency). This sequence change replaces arginine, which is basic and polar, with serine, which is neutral and polar, at codon 168 of the GABRG2 protein (p.Arg168Ser).

NM_198904.4(GABRG2):c.504G>C (p.Arg168Ser)

Gene: GABRG2 (gamma-aminobutyric acid type A receptor subunit gamma2; plus strand). Cytogenetic location: 5q34.
Variant type: single nucleotide variant.
Coding change: c.504G>C on transcript NM_198904.4 (MANE Select); coding-DNA position 504, G replaced by C.
Protein change: p.Arg168Ser; replaces arginine 168 with serine.
Molecular consequence: missense variant.
Genome position (GRCh38, 1-based): chr5:162,097,814, G>C. VCF-style: chr5-162097814-G-C. GRCh37 (hg19) VCF-style: chr5-161524820-G-C.
Other names: c.504G>C, p.Arg168Ser (NM_000816.3, NM_001375340.1, NM_001375341.1 and 4 more transcripts); c.495G>C, p.Arg165Ser (NM_001375339.1); c.438G>C, p.Arg146Ser (NM_001375345.1, NM_001375346.1); c.417G>C, p.Arg139Ser (NM_001375347.1); c.84G>C, p.Arg28Ser (NM_001375348.1, NM_001375350.1); c.219G>C, p.Arg73Ser (NM_001375349.1); short protein forms R168S, R73S, R146S, R165S, R28S, R139S.
Identifiers: ClinVar variation 2944785 (VCV002944785.3), dbSNP rs2532569397, ClinGen allele CA362184373.